The following is an entry in ClinVar:

ClinVar aggregate classification (germline): Uncertain significance (1 of 4 stars; one submission).

Submission:

Labcorp Genetics (formerly Invitae), Labcorp
Classification: Uncertain significance. Last evaluated: 2025-03-28. Review status: criteria provided, single submitter. Criteria: Invitae Variant Classification Sherloc (09022015). Collection method: clinical testing. Allele origin: germline.
Comment: This sequence change falls in intron 16 of the TNNI3K gene. It does not directly change the encoded amino acid sequence of the TNNI3K protein. This variant is not present in population databases (gnomAD no frequency). This variant has not been reported in the literature in individuals affected with TNNI3K-related conditions. Experimental studies and prediction algorithms are not available or were not evaluated, and the effect of this variant on mRNA splicing is currently unknown. In summary, the available evidence is currently insufficient to determine the role of this variant in disease. Therefore, it has been classified as a Variant of Uncertain Significance.

NM_015978.3(TNNI3K):c.1668-31_1668-12del

Genes: TNNI3K (TNNI3 interacting kinase; plus strand), FPGT-TNNI3K (FPGT-TNNI3K readthrough; plus strand). Cytogenetic location: 1p31.1.
Variant type: Deletion.
Coding change: c.1668-31_1668-12del on transcript NM_015978.3 (MANE Select); 31 bases into the intron before coding-DNA position 1668 through 12 bases into the intron before coding-DNA position 1668, 20 bases deleted (CATCTCTGTTAAATCTATTT).
Molecular consequence: intron variant.
Genome position (GRCh38, 1-based): chr1:74,370,257-74,370,276, CATCTCTGTTAAATCTATTT deleted; deleting any 20 consecutive bases within chr1:74,370,253-74,370,276 gives the same sequence; the c. name uses the placement nearest the transcript's 3' end. VCF-style (leftmost placement, unchanged base first): chr1-74370252-CATTTCATCTCTGTTAAATCT-C. GRCh37 (hg19) VCF-style: chr1-74835936-CATTTCATCTCTGTTAAATCT-C.
Other names: c.1971-31_1971-12del (NM_001112808.3, NM_001199327.2).
Identifiers: ClinVar variation 4700986 (VCV004700986.1).
Genomic context (GRCh38, chr1:74,370,252, plus strand): 5'-TAAGATGATATAAAATAACAACTCTTACACATCATTTGCTTTTTTGATATTCGTTTTGAC[CATTTCATCTCTGTTAAATCT>C]ATTTTTAAATTCTAGGATTCTTGATTTGCAGTCTAAATTAATTATTGCAGTAGATGTTGC-3'